The following is an entry in ClinVar:

ClinVar aggregate classification (germline): Pathogenic (1 of 4 stars; one submission).

Submission:

Labcorp Genetics (formerly Invitae), Labcorp
Classification: Pathogenic. Last evaluated: 2023-02-13. Review status: criteria provided, single submitter. Criteria: Invitae Variant Classification Sherloc (09022015). Collection method: clinical testing. Allele origin: unknown.
Comment: A gross deletion of the genomic region encompassing the full coding sequence of the CYP11B1 gene has been identified. Loss-of-function variants in CYP11B1 are known to be pathogenic (PMID: 8506298, 26476331). The boundaries of this event are unknown as they extend beyond the assayed region for this gene and therefore may encompass additional genes. This variant has not been reported in the literature in individuals affected with CYP11B1-related conditions. For these reasons, this variant has been classified as Pathogenic.

Literature cited by the submitters: PubMed 8506298; PubMed 26476331.

NC_000008.10:g.(?_143955789)_(143961229_?)del

Gene: CYP11B1 (cytochrome P450 family 11 subfamily B member 1; minus strand). Cytogenetic location: 8q24.3.
Variant type: Deletion.
Identifiers: ClinVar variation 3245553 (VCV003245553.1).